The following is an entry in ClinVar:

ClinVar aggregate classification (germline): Uncertain significance (1 of 4 stars; one submission).

gnomAD v4.1: 2 of 1,612,386 alleles (0.00012%); highest among the groups gnomAD compares: Non-Finnish European, 0.00017%; no homozygotes.

Submission:

Labcorp Genetics (formerly Invitae), Labcorp
Classification: Uncertain significance. Last evaluated: 2024-04-26. Review status: criteria provided, single submitter. Criteria: Invitae Variant Classification Sherloc (09022015). Collection method: clinical testing. Allele origin: germline.
Comment: This sequence change replaces asparagine, which is neutral and polar, with serine, which is neutral and polar, at codon 630 of the ITGA6 protein (p.Asn630Ser). This variant is not present in population databases (gnomAD no frequency). This variant has not been reported in the literature in individuals affected with ITGA6-related conditions. Advanced modeling of protein sequence and biophysical properties (such as structural, functional, and spatial information, amino acid conservation, physicochemical variation, residue mobility, and thermodynamic stability) performed at Invitae indicates that this missense variant is not expected to disrupt ITGA6 protein function with a negative predictive value of 80%. In summary, the available evidence is currently insufficient to determine the role of this variant in disease. Therefore, it has been classified as a Variant of Uncertain Significance.

NM_000210.4(ITGA6):c.1889A>G (p.Asn630Ser)

Genes: ITGA6 (integrin subunit alpha 6; plus strand), PDK1-AS1 (PDK1 and ITGA6 antisense RNA 1; minus strand). Cytogenetic location: 2q31.1.
Variant type: single nucleotide variant.
Coding change: c.1889A>G on transcript NM_000210.4 (MANE Select); coding-DNA position 1889, A replaced by G.
Protein change: p.Asn630Ser; replaces asparagine 630 with serine.
Molecular consequence: missense variant.
Genome position (GRCh38, 1-based): chr2:172,487,057, A>G. VCF-style: chr2-172487057-A-G. GRCh37 (hg19) VCF-style: chr2-173351785-A-G.
Other names: c.1889A>G, p.Asn630Ser (NM_001079818.3, NM_001365529.2, NM_001365530.2); c.1532A>G, p.Asn511Ser (NM_001316306.2); c.2006A>G, p.Asn669Ser (NM_001394928.1); short protein forms N511S, N630S, N669S.
Identifiers: ClinVar variation 3617185 (VCV003617185.2).